The following is an entry in ClinVar:

ClinVar aggregate classification (germline): Benign/Likely benign. Review status: criteria provided, multiple submitters, no conflicts (2 of 4 stars). 3 submissions from 3 submitters: Benign (1); Likely benign (2). Last evaluated 2025-06-03.

Conditions:
Tuberous sclerosis 2 (TSC2). Identifiers: Orphanet 805, MedGen C1860707, MONDO:0013199, OMIM 613254.
Hereditary cancer-predisposing syndrome. Also called: Tumor predisposition; Hereditary neoplastic syndrome; Hereditary Cancer Syndrome; Neoplastic Syndromes, Hereditary. Identifiers: Orphanet 140162, MedGen C0027672, MeSH D009386, MONDO:0015356.

Allele frequency attached by ClinVar (database versions not stated): TOPMed 0.00001.

Submissions (3):

Myriad Genetics, Inc.
Classification: Benign for Tuberous sclerosis 2. Last evaluated: 2025-06-03. Review status: criteria provided, single submitter. Criteria: Myriad Autosomal Dominant, Autosomal Recessive and X-Linked Classification Criteria (2023). Collection method: clinical testing. Allele origin: unknown.
Comment: This variant is considered benign. This variant is a silent/synonymous amino acid change and it is not expected to impact splicing.

Ambry Genetics
Classification: Likely benign for Hereditary cancer-predisposing syndrome. Last evaluated: 2023-11-08. Review status: criteria provided, single submitter. Criteria: Ambry Variant Classification Scheme 2023. Collection method: clinical testing. Allele origin: germline.

Labcorp Genetics (formerly Invitae), Labcorp
Classification: Likely benign for Tuberous sclerosis 2. Last evaluated: 2023-03-31. Review status: criteria provided, single submitter. Criteria: Invitae Variant Classification Sherloc (09022015). Collection method: clinical testing. Allele origin: germline.

NM_000548.5(TSC2):c.4476G>A (p.Val1492=)

Gene: TSC2 (TSC complex subunit 2; plus strand). Cytogenetic location: 16p13.3.
Variant type: single nucleotide variant.
Coding change: c.4476G>A on transcript NM_000548.5 (MANE Select); coding-DNA position 4476, G replaced by A.
Protein change: p.Val1492=; no amino-acid change (valine 1492 retained).
Molecular consequence: synonymous variant.
Genome position (GRCh38, 1-based): chr16:2,084,698, G>A. VCF-style: chr16-2084698-G-A. GRCh37 (hg19) VCF-style: chr16-2134699-G-A.
Other names: c.4275G>A, p.Val1425= (NM_001077183.3); c.4407G>A, p.Val1469= (NM_001114382.3); c.4167G>A, p.Val1389= (NM_001318827.2); c.4131G>A, p.Val1377= (NM_001318829.2); c.3744G>A, p.Val1248= (NM_001318831.2); c.4308G>A, p.Val1436= (NM_001318832.2); c.4278G>A, p.Val1426= (NM_001363528.2); c.4344G>A, p.Val1448= (NM_001370404.1); and 1 more.
Identifiers: ClinVar variation 700325 (VCV000700325.11), dbSNP rs1596418854, ClinGen allele CA493043372.